The following is an entry in ClinVar:

NM_017646.6(TRIT1):c.183A>C (p.Glu61Asp)

Gene: TRIT1 (tRNA isopentenyltransferase 1; minus strand). Cytogenetic location: 1p34.2.
Variant type: single nucleotide variant.
Coding change: c.183A>C on transcript NM_017646.6 (MANE Select); coding-DNA position 183, A replaced by C.
Protein change: p.Glu61Asp; replaces glutamic acid 61 with aspartic acid.
Molecular consequence: missense variant. On other transcripts: intron variant (1).
Genome position (GRCh38, 1-based): chr1:39,857,409, T>G on the plus strand (A>C on the coding strand, the complement: TRIT1 is on the minus strand). VCF-style: chr1-39857409-T-G. GRCh37 (hg19) VCF-style: chr1-40323081-T-G.
Other names: c.175-4533A>C (NM_001312692.1); c.183A>C, p.Glu61Asp (NM_001312691.2); short protein forms E61D.
Identifiers: ClinVar variation 2638718 (VCV002638718.24), dbSNP rs918988197, ClinGen allele CA20973288.

ClinVar aggregate classification (germline): Uncertain significance (1 of 4 stars; one submission).

Allele frequency attached by ClinVar (database versions not stated): TOPMed 0.00002.
gnomAD v4.1: 14 of 1,613,194 alleles (0.00087%); highest among the groups gnomAD compares: Non-Finnish European, 0.0012%; no homozygotes.

Submission:

CeGaT Center for Human Genetics Tuebingen
Classification: Uncertain significance. Last evaluated: 2023-04-01. Review status: criteria provided, single submitter. Criteria: CeGaT Center For Human Genetics Tuebingen Variant Classification Criteria Version 2. Collection method: clinical testing. Allele origin: germline. Affected: yes. Observed: 1 variant allele.
Comment: TRIT1: PM2, PM3, BP4